The following is an entry in ClinVar:

NM_007294.4(BRCA1):c.2024C>T (p.Ala675Val)

Gene: BRCA1 (BRCA1 DNA repair associated; minus strand). Cytogenetic location: 17q21.31.
Variant type: single nucleotide variant.
Coding change: c.2024C>T on transcript NM_007294.4 (MANE Select); coding-DNA position 2024, C replaced by T.
Protein change: p.Ala675Val; replaces alanine 675 with valine.
Molecular consequence: missense variant. On other transcripts: intron variant (137).
Genome position (GRCh38, 1-based): chr17:43,093,507, G>A on the plus strand (C>T on the coding strand, the complement: BRCA1 is on the minus strand). VCF-style: chr17-43093507-G-A. GRCh37 (hg19) VCF-style: chr17-41245524-G-A.
Other names: c.1814C>T, p.Ala605Val (NM_001407900.1, NM_001407902.1, NM_001407904.1 and 13 more transcripts); c.1811C>T, p.Ala604Val (NM_001407915.1, NM_001407916.1, NM_001407917.1 and 9 more transcripts); c.1901C>T, p.Ala634Val (NM_001407919.1, NM_001407938.1, NM_001407939.1 and 19 more transcripts); c.1760C>T, p.Ala587Val (NM_001407920.1, NM_001407929.1, NM_001407933.1 and 9 more transcripts); c.1757C>T, p.Ala586Val (NM_001407930.1, NM_001407931.1, NM_001407932.1 and 2 more transcripts); c.2024C>T, p.Ala675Val (NM_001407581.1, NM_001407582.1, NM_001407583.1 and 30 more transcripts); c.2021C>T, p.Ala674Val (NM_001407587.1, NM_001407590.1, NM_001407591.1 and 22 more transcripts); c.2015C>T, p.Ala672Val (NM_001407646.1, NM_001407647.1); and 40 more; short protein forms A675V, A628V, A379V, A547V, A548V, A563V, A586V, A605V.
Identifiers: ClinVar variation 1395965 (VCV001395965.9), dbSNP rs2154403344, ClinGen allele CA10597960.
Genomic context (GRCh38, chr17:43,093,507, plus strand): 5'-TCGCTGTCATGTCTTTTACTTGTCTGTTCATTTGGCTTGTTACTCTTCTTGGCTCCAGTT[G>A]CAGGTTCTTTACCTTCCATGAGTTGTAGGTTTCTGCTGTGCCTGACTGGCATTTGGTTGT-3'
Protein context (NP_009225.1, residues 665-685): NLQLMEGKEP[Ala675Val]TGAKKSNKPN

ClinVar aggregate classification (germline): Conflicting classifications of pathogenicity. Review status: criteria provided, conflicting classifications (1 of 4 stars). 2 submissions from 2 submitters: Uncertain significance (1); Likely benign (1). Last evaluated 2023-03-23.

Conditions:
Hereditary cancer-predisposing syndrome. Also called: Neoplastic Syndromes, Hereditary; Hereditary neoplastic syndrome; Tumor predisposition; Hereditary Cancer Syndrome. Identifiers: Orphanet 140162, MedGen C0027672, MeSH D009386, MONDO:0015356.
Hereditary breast ovarian cancer syndrome. Also called: BRCA1- and BRCA2-Associated Hereditary Breast and Ovarian Cancer; Hereditary breast and ovarian cancer syndrome (HBOC); Hereditary breast and ovarian cancer syndrome; Hereditary breast and ovarian cancer; Breast and ovarian cancer; Hereditary breast and/or ovarian cancer syndrome. Identifiers: Orphanet 145, MedGen C0677776, MeSH D061325, MONDO:0003582. Disease mechanism: loss of function.

Submissions (2):

University of Washington Department of Laboratory Medicine, University of Washington
Classification: Likely benign for Hereditary cancer-predisposing syndrome. Last evaluated: 2023-03-23. Review status: criteria provided, single submitter. Criteria: Dines et al. (Genet Med. 2020). Collection method: curation. Allele origin: germline.
Comment: Missense variant in a coldspot region where missense variants are very unlikely to be pathogenic (PMID:31911673).

BRCA1 coldspot (exon 11 using historical exon numbering). Reclassification based on statistical prior probability

Labcorp Genetics (formerly Invitae), Labcorp
Classification: Uncertain significance for Hereditary breast ovarian cancer syndrome. Last evaluated: 2021-10-10. Review status: criteria provided, single submitter. Criteria: Invitae Variant Classification Sherloc (09022015). Collection method: clinical testing. Allele origin: germline.
Comment: This variant has not been reported in the literature in individuals affected with BRCA1-related conditions. This variant is not present in population databases (ExAC no frequency). This sequence change replaces alanine with valine at codon 675 of the BRCA1 protein (p.Ala675Val). The alanine residue is moderately conserved and there is a small physicochemical difference between alanine and valine. Advanced modeling of protein sequence and biophysical properties (such as structural, functional, and spatial information, amino acid conservation, physicochemical variation, residue mobility, and thermodynamic stability) performed at Invitae indicates that this missense variant is not expected to disrupt BRCA1 protein function. In summary, the available evidence is currently insufficient to determine the role of this variant in disease. Therefore, it has been classified as a Variant of Uncertain Significance. Algorithms developed to predict the effect of sequence changes on RNA splicing suggest that this variant may create or strengthen a splice site.